The following is an entry in ClinVar:

ClinVar aggregate classification (germline): Conflicting classifications of pathogenicity. Review status: criteria provided, conflicting classifications (1 of 4 stars). 3 submissions from 3 submitters: Likely pathogenic (1); Uncertain significance (2). Last evaluated 2025-11-17.

Conditions:
Hereditary cancer-predisposing syndrome. Also called: Neoplastic Syndromes, Hereditary; Hereditary Cancer Syndrome; Hereditary neoplastic syndrome; Tumor predisposition. Identifiers: Orphanet 140162, MedGen C0027672, MeSH D009386, MONDO:0015356.
Fanconi anemia complementation group O. Also called: RAD51C-Related Fanconi Anemia. Identifiers: Orphanet 84, MedGen C3150653, MONDO:0013248, OMIM 613390.
Breast-ovarian cancer, familial, susceptibility to, 3. Also called: RAD51C-Related Breast/Ovarian Cancer. Identifiers: Orphanet 145, MedGen C3150659, MONDO:0013253, OMIM 613399.

Submissions (3):

Myriad Genetics, Inc.
Classification: Likely pathogenic for Breast-ovarian cancer, familial, susceptibility to, 3. Last evaluated: 2025-11-17. Review status: criteria provided, single submitter. Criteria: Myriad Autosomal Dominant, Autosomal Recessive and X-Linked Classification Criteria (2023). Collection method: clinical testing. Allele origin: unknown.
Comment: This variant is considered likely pathogenic. Functional studies indicate this variant impacts protein function [PMID: 39299233]. This variant is expected to disrupt protein structure [Myriad internal data].

Labcorp Genetics (formerly Invitae), Labcorp
Classification: Uncertain significance for Fanconi anemia complementation group O. Last evaluated: 2025-10-25. Review status: criteria provided, single submitter. Criteria: Invitae Variant Classification Sherloc (09022015). Collection method: clinical testing. Allele origin: germline.
Comment: This sequence change replaces cysteine, which is neutral and slightly polar, with tyrosine, which is neutral and polar, at codon 104 of the RAD51C protein (p.Cys104Tyr). This variant is not present in population databases (gnomAD no frequency). This variant has not been reported in the literature in individuals affected with RAD51C-related conditions. ClinVar contains an entry for this variant (Variation ID: 640651). Invitae Evidence Modeling of protein sequence and biophysical properties (such as structural, functional, and spatial information, amino acid conservation, physicochemical variation, residue mobility, and thermodynamic stability) indicates that this missense variant is expected to disrupt RAD51C protein function with a positive predictive value of 80%. In summary, the available evidence is currently insufficient to determine the role of this variant in disease. Therefore, it has been classified as a Variant of Uncertain Significance.

Ambry Genetics
Classification: Uncertain significance for Hereditary cancer-predisposing syndrome. Last evaluated: 2024-04-07. Review status: criteria provided, single submitter. Criteria: Ambry Variant Classification Scheme 2023. Collection method: clinical testing. Allele origin: germline.
Comment: The p.C104Y variant (also known as c.311G>A), located in coding exon 2 of the RAD51C gene, results from a G to A substitution at nucleotide position 311. The cysteine at codon 104 is replaced by tyrosine, an amino acid with highly dissimilar properties. This amino acid position is conserved. In addition, the in silico prediction for this alteration is inconclusive. Based on the available evidence, the clinical significance of this variant remains unclear.

Literature cited by the submitters: PubMed 39299233 (cited by Myriad Genetics, Inc.).

NM_058216.3(RAD51C):c.311G>A (p.Cys104Tyr)

Gene: RAD51C (RAD51 paralog C; plus strand). Cytogenetic location: 17q22.
Variant type: single nucleotide variant.
Coding change: c.311G>A on transcript NM_058216.3 (MANE Select); coding-DNA position 311, G replaced by A.
Protein change: p.Cys104Tyr; replaces cysteine 104 with tyrosine.
Molecular consequence: missense variant. On other transcripts: non-coding transcript variant (2).
Genome position (GRCh38, 1-based): chr17:58,695,096, G>A. VCF-style: chr17-58695096-G-A. GRCh37 (hg19) VCF-style: chr17-56772457-G-A.
Other names: c.311G>A, p.Cys104Tyr (NM_002876.4); c.311G>A (NM_058216.1); short protein forms C104Y.
Identifiers: ClinVar variation 640651 (VCV000640651.10), dbSNP rs1598456075, ClinGen allele CA400341111.
Genomic context (GRCh38, chr17:58,695,096, plus strand): 5'-AGTGTACAGCACTGGAACTTCTTGAGCAGGAGCATACCCAGGGCTTCATAATCACCTTCT[G>A]TTCAGCACTAGATGATATTCTTGGGGGTGGAGTGCCCTTAATGAAAACAACAGAAATTTG-3'
Protein context (NP_478123.1, residues 94-114): EHTQGFIITF[Cys104Tyr]SALDDILGGG